The following is an entry in ClinVar:

ClinVar aggregate classification (germline): Uncertain significance. Review status: criteria provided, single submitter (1 of 4 stars). 2 submissions from 2 submitters: Uncertain significance (1). 1 of the submissions does not count toward it. Last evaluated 2021-08-13.

Conditions:
Ellis-van Creveld syndrome (EVC). Also called: EVC-Related Ellis-van Creveld Syndrome; EVC2-Related Ellis-van Creveld Syndrome; Chondroectodermal dysplasia; MESOECTODERMAL DYSPLASIA. Identifiers: Orphanet 289, MedGen C0013903, MONDO:0009162, OMIM 225500.
Curry-Hall syndrome (WAD). Also called: WEYERS ACRODENTAL DYSOSTOSIS. Identifiers: Orphanet 952, MedGen C0457013, MONDO:0008673, OMIM 193530.

Submissions (2):

Labcorp Genetics (formerly Invitae), Labcorp
Classification: Uncertain significance for Curry-Hall syndrome; Ellis-van Creveld syndrome. Last evaluated: 2021-08-13. Review status: criteria provided, single submitter. Criteria: Invitae Variant Classification Sherloc (09022015). Collection method: clinical testing. Allele origin: germline.
Comment: This sequence change replaces glycine with aspartic acid at codon 35 of the EVC protein (p.Gly35Asp). The glycine residue is moderately conserved and there is a moderate physicochemical difference between glycine and aspartic acid. The frequency data for this variant in the population databases is considered unreliable, as metrics indicate insufficient coverage at this position in the ExAC database. This missense change has been observed in individual(s) with clinical features of EVC-related conditions (Invitae). Algorithms developed to predict the effect of missense changes on protein structure and function are either unavailable or do not agree on the potential impact of this missense change (SIFT: "Deleterious"; PolyPhen-2: "Probably Damaging"; Align-GVGD: "Class C0"). In summary, the available evidence is currently insufficient to determine the role of this variant in disease. Therefore, it has been classified as a Variant of Uncertain Significance.

Natera, Inc.
Classification: Uncertain significance for Ellis-van Creveld syndrome. Last evaluated: 2021-03-19. Review status: no assertion criteria provided. Collection method: clinical testing. Allele origin: germline. Not counted in ClinVar's aggregate classification.

NM_153717.3(EVC):c.104G>A (p.Gly35Asp)

Gene: EVC (EvC ciliary complex subunit 1; plus strand). Cytogenetic location: 4p16.2.
Variant type: single nucleotide variant.
Coding change: c.104G>A on transcript NM_153717.3 (MANE Select); coding-DNA position 104, G replaced by A.
Protein change: p.Gly35Asp; replaces glycine 35 with aspartic acid.
Molecular consequence: missense variant.
Genome position (GRCh38, 1-based): chr4:5,711,484, G>A. VCF-style: chr4-5711484-G-A. GRCh37 (hg19) VCF-style: chr4-5713211-G-A.
Other names: c.104G>A, p.Gly35Asp (NM_001306090.2, NM_001306092.2); short protein forms G35D.
Identifiers: ClinVar variation 567921 (VCV000567921.8), dbSNP rs1560259105, ClinGen allele CA356156546.